The following is an entry in ClinVar:

NM_021942.6(TRAPPC11):c.1767G>T (p.Gln589His)

Gene: TRAPPC11 (trafficking protein particle complex subunit 11; plus strand). Cytogenetic location: 4q35.1.
Variant type: single nucleotide variant.
Coding change: c.1767G>T on transcript NM_021942.6 (MANE Select); coding-DNA position 1767, G replaced by T.
Protein change: p.Gln589His; replaces glutamine 589 with histidine.
Molecular consequence: missense variant.
Genome position (GRCh38, 1-based): chr4:183,686,622, G>T. VCF-style: chr4-183686622-G-T. GRCh37 (hg19) VCF-style: chr4-184607775-G-T.
Other names: c.1767G>T, p.Gln589His (NM_199053.3); short protein forms Q589H.
Identifiers: ClinVar variation 1499821 (VCV001499821.8), dbSNP rs1383829469, ClinGen allele CA358869555.

ClinVar aggregate classification (germline): Uncertain significance (1 of 4 stars; one submission).

Conditions:
Autosomal recessive limb-girdle muscular dystrophy type R18 (LGMDR18). Also called: Autosomal recessive limb-girdle muscular dystrophy type 2S; Limb-girdle muscular dystrophy, type 2S; MUSCULAR DYSTROPHY, LIMB-GIRDLE, AUTOSOMAL RECESSIVE 18. Identifiers: Orphanet 369840, MedGen C4517996, MONDO:0014144, OMIM 615356.

Allele frequency attached by ClinVar (database versions not stated): gnomAD exomes below 0.00001; TOPMed 0.00001.
gnomAD v4.1: 1 of 1,613,954 alleles (0.000062%); highest among the groups gnomAD compares: Admixed American, 0.0017%; no homozygotes.

Submission:

Labcorp Genetics (formerly Invitae), Labcorp
Classification: Uncertain significance for Autosomal recessive limb-girdle muscular dystrophy type R18. Last evaluated: 2022-07-19. Review status: criteria provided, single submitter. Criteria: Invitae Variant Classification Sherloc (09022015). Collection method: clinical testing. Allele origin: germline.
Comment: In summary, the available evidence is currently insufficient to determine the role of this variant in disease. Therefore, it has been classified as a Variant of Uncertain Significance. Algorithms developed to predict the effect of sequence changes on RNA splicing suggest that this variant may disrupt the consensus splice site. Algorithms developed to predict the effect of missense changes on protein structure and function are either unavailable or do not agree on the potential impact of this missense change (SIFT: "Deleterious"; PolyPhen-2: "Possibly Damaging"; Align-GVGD: "Class C0"). ClinVar contains an entry for this variant (Variation ID: 1499821). This variant has not been reported in the literature in individuals affected with TRAPPC11-related conditions. This variant is not present in population databases (gnomAD no frequency). This sequence change replaces glutamine, which is neutral and polar, with histidine, which is basic and polar, at codon 589 of the TRAPPC11 protein (p.Gln589His).